The following is an entry in ClinVar:

NM_003482.4(KMT2D):c.1451A>G (p.His484Arg)

Gene: KMT2D (lysine methyltransferase 2D; minus strand). Cytogenetic location: 12q13.12.
Variant type: single nucleotide variant.
Coding change: c.1451A>G on transcript NM_003482.4 (MANE Select); coding-DNA position 1451, A replaced by G.
Protein change: p.His484Arg; replaces histidine 484 with arginine.
Molecular consequence: missense variant.
Genome position (GRCh38, 1-based): chr12:49,052,232, T>C on the plus strand (A>G on the coding strand, the complement: KMT2D is on the minus strand). VCF-style: chr12-49052232-T-C. GRCh37 (hg19) VCF-style: chr12-49446015-T-C.
Other names: short protein forms H484R.
Identifiers: ClinVar variation 2749612 (VCV002749612.3), dbSNP rs1592157589, ClinGen allele CA384674932.
Genomic context (GRCh38, chr12:49,052,232, plus strand): 5'-GACAGAGGAGACTCCTCAGGCGGCGGAGAGAGGGGCGATTCCTCCAGCGGCCGGGACAGG[T>C]GCAATGCCTCAGGAAGTGGGGATGCGGGCAATTCCTCAGGTGGTGGTGACAGGCGTGATG-3'
Protein context (NP_003473.3, residues 474-494): LPASPLPEAL[His484Arg]LSRPLEESPL

ClinVar aggregate classification (germline): Uncertain significance (1 of 4 stars; one submission).

Conditions:
Kabuki syndrome. Also called: NIIKAWA-KUROKI SYNDROME; Kabuki make-up syndrome. Identifiers: Orphanet 2322, MedGen C0796004, MONDO:0016512.

Allele frequency attached by ClinVar (database versions not stated): gnomAD exomes below 0.00001.
gnomAD v4.1: 1 of 1,600,374 alleles (0.000062%); highest among the groups gnomAD compares: Non-Finnish European, 0.000085%; no homozygotes.

Submission:

Labcorp Genetics (formerly Invitae), Labcorp
Classification: Uncertain significance for Kabuki syndrome. Last evaluated: 2023-08-10. Review status: criteria provided, single submitter. Criteria: Invitae Variant Classification Sherloc (09022015). Collection method: clinical testing. Allele origin: germline.
Comment: In summary, the available evidence is currently insufficient to determine the role of this variant in disease. Therefore, it has been classified as a Variant of Uncertain Significance. Advanced modeling of protein sequence and biophysical properties (such as structural, functional, and spatial information, amino acid conservation, physicochemical variation, residue mobility, and thermodynamic stability) performed at Invitae indicates that this missense variant is not expected to disrupt KMT2D protein function. This variant has not been reported in the literature in individuals affected with KMT2D-related conditions. This variant is not present in population databases (gnomAD no frequency). This sequence change replaces histidine, which is basic and polar, with arginine, which is basic and polar, at codon 484 of the KMT2D protein (p.His484Arg).